The following is an entry in ClinVar:

ClinVar aggregate classification (germline): Conflicting classifications of pathogenicity. Review status: criteria provided, conflicting classifications (1 of 4 stars). 3 submissions from 3 submitters: Uncertain significance (2); Likely benign (1). Last evaluated 2025-01-14.

Conditions:
Immunodeficiency 104. Also called: IMMUNODEFICIENCY 104, SEVERE COMBINED; SCID, AUTOSOMAL RECESSIVE, T CELL-NEGATIVE, B CELL-POSITIVE, NK CELL-POSITIVE; Severe combined immunodeficiency, autosomal recessive, T cell-negative, B cell-positive, NK cell-positive; Severe Combined Immune Deficiency, Autosomal Recessive, TCell -Negative, B Cell-Positive, NK Cell-Positive, IL7R-Related. Identifiers: MedGen C5676890, MONDO:0012163, OMIM 608971.
Inborn genetic diseases. Identifiers: MedGen C0950123, MeSH D030342.

Allele frequency attached by ClinVar (database versions not stated): TOPMed 0.00002; gnomAD exomes 0.00004 and 0.00006; ExAC 0.00006.
gnomAD v4.1: 65 of 1,613,124 alleles (0.004%); highest among the groups gnomAD compares: Middle Eastern, 0.033%; no homozygotes.

Submissions (3):

Labcorp Genetics (formerly Invitae), Labcorp
Classification: Uncertain significance for Immunodeficiency 104. Last evaluated: 2025-01-14. Review status: criteria provided, single submitter. Criteria: Invitae Variant Classification Sherloc (09022015). Collection method: clinical testing. Allele origin: germline.
Comment: This sequence change replaces asparagine, which is neutral and polar, with aspartic acid, which is acidic and polar, at codon 286 of the PTPRC protein (p.Asn286Asp). This variant is present in population databases (rs199673441, gnomAD 0.01%). This variant has not been reported in the literature in individuals affected with PTPRC-related conditions. ClinVar contains an entry for this variant (Variation ID: 941746). An algorithm developed to predict the effect of missense changes on protein structure and function outputs the following: PolyPhen-2: "Benign". The aspartic acid amino acid residue is found in multiple mammalian species, which suggests that this missense change does not adversely affect protein function. In summary, the available evidence is currently insufficient to determine the role of this variant in disease. Therefore, it has been classified as a Variant of Uncertain Significance.

Blueprint Genetics
Classification: Uncertain significance. Last evaluated: 2024-02-21. Review status: criteria provided, single submitter. Criteria: ACMG Guidelines, 2015. Collection method: clinical testing. Allele origin: germline.

Ambry Genetics
Classification: Likely benign for Inborn genetic diseases. Last evaluated: 2022-10-26. Review status: criteria provided, single submitter. Criteria: Ambry Variant Classification Scheme 2023. Collection method: clinical testing. Allele origin: germline.

NM_002838.5(PTPRC):c.856A>G (p.Asn286Asp)

Gene: PTPRC (protein tyrosine phosphatase receptor type C; plus strand). Cytogenetic location: 1q32.1.
Variant type: single nucleotide variant.
Coding change: c.856A>G on transcript NM_002838.5 (MANE Select); coding-DNA position 856, A replaced by G.
Protein change: p.Asn286Asp; replaces asparagine 286 with aspartic acid.
Molecular consequence: missense variant.
Genome position (GRCh38, 1-based): chr1:198,706,904, A>G. VCF-style: chr1-198706904-A-G. GRCh37 (hg19) VCF-style: chr1-198676033-A-G.
Other names: c.850A>G (NM_002838.3); c.373A>G, p.Asn125Asp (NM_080921.4); short protein forms N125D, N286D.
Identifiers: ClinVar variation 941746 (VCV000941746.9), dbSNP rs199673441, ClinGen allele CA1314623.